The following is an entry in ClinVar:

ClinVar aggregate classification (germline): Uncertain significance (1 of 4 stars; one submission).

Conditions:
Hereditary cancer-predisposing syndrome. Also called: Neoplastic Syndromes, Hereditary; Tumor predisposition; Hereditary Cancer Syndrome; Hereditary neoplastic syndrome. Identifiers: Orphanet 140162, MedGen C0027672, MeSH D009386, MONDO:0015356.

Submission:

Ambry Genetics
Classification: Uncertain significance for Hereditary cancer-predisposing syndrome. Last evaluated: 2025-09-16. Review status: criteria provided, single submitter. Criteria: Ambry Variant Classification Scheme 2023. Collection method: clinical testing. Allele origin: germline.
Comment: The p.H1635Q variant (also known as c.4905C>G), located in coding exon 37 of the POLE gene, results from a C to G substitution at nucleotide position 4905. The histidine at codon 1635 is replaced by glutamine, an amino acid with highly similar properties. This amino acid position is conserved. In addition, this alteration is predicted to be tolerated by in silico analysis. Based on the available evidence, the clinical significance of this variant remains unclear.

NM_006231.4(POLE):c.4905C>G (p.His1635Gln)

Gene: POLE (DNA polymerase epsilon, catalytic subunit; minus strand). Cytogenetic location: 12q24.33.
Variant type: single nucleotide variant.
Coding change: c.4905C>G on transcript NM_006231.4 (MANE Select); coding-DNA position 4905, C replaced by G.
Protein change: p.His1635Gln; replaces histidine 1635 with glutamine.
Molecular consequence: missense variant.
Genome position (GRCh38, 1-based): chr12:132,642,553, G>C on the plus strand (C>G on the coding strand, the complement: POLE is on the minus strand). VCF-style: chr12-132642553-G-C. GRCh37 (hg19) VCF-style: chr12-133219139-G-C.
Other names: short protein forms H1635Q.
Identifiers: ClinVar variation 4671420 (VCV004671420.1).